The following is an entry in ClinVar:

NM_177972.3(TUB):c.1387C>T (p.Pro463Ser)

Genes: RIC3 (RIC3 acetylcholine receptor chaperone; minus strand), TUB (TUB bipartite transcription factor; plus strand). Cytogenetic location: 11p15.4.
Variant type: single nucleotide variant.
Coding change: c.1387C>T on transcript NM_177972.3 (MANE Select); coding-DNA position 1387, C replaced by T.
Protein change: p.Pro463Ser; replaces proline 463 with serine.
Molecular consequence: missense variant.
Genome position (GRCh38, 1-based): chr11:8,100,997, C>T. VCF-style: chr11-8100997-C-T. GRCh37 (hg19) VCF-style: chr11-8122544-C-T.
Other names: c.1552C>T, p.Pro518Ser (NM_003320.5); short protein forms P463S, P518S.
Identifiers: ClinVar variation 3353652 (VCV003353652.2).

ClinVar aggregate classification (germline): Uncertain significance. Review status: criteria provided, single submitter (1 of 4 stars). 2 submissions from 2 submitters: Uncertain significance (1). 1 of the submissions does not count toward it. Last evaluated 2023-09-18.

Conditions:
TUB-related disorder. Also called: TUB-related condition.

gnomAD v4.1: 24 of 1,613,994 alleles (0.0015%); highest among the groups gnomAD compares: East Asian, 0.0022%; no homozygotes.

Submissions (2):

Blueprint Genetics
Classification: Uncertain significance. Last evaluated: 2023-09-18. Review status: criteria provided, single submitter. Criteria: ACMG Guidelines, 2015. Collection method: clinical testing. Allele origin: germline.

PreventionGenetics, part of Exact Sciences
Classification: Uncertain significance for TUB-related condition. Last evaluated: 2024-09-11. Review status: no assertion criteria provided. Collection method: clinical testing. Allele origin: germline. Not counted in ClinVar's aggregate classification.
Comment: The TUB c.1552C>T variant is predicted to result in the amino acid substitution p.Pro518Ser. To our knowledge, this variant has not been reported in the literature. This variant is reported in 0.0062% of alleles in individuals of African descent in gnomAD. At this time, the clinical significance of this variant is uncertain due to the absence of conclusive functional and genetic evidence.